The following is an entry in ClinVar:

ClinVar aggregate classification (germline): Uncertain significance (1 of 4 stars; one submission).

Conditions:
Congenital adrenal hypoplasia, X-linked (AHC). Also called: Isolated X-Linked Adrenal Hypoplasia Congenita; X-linked AHC; X-Linked Adrenal Hypoplasia Congenita; ADRENAL HYPOPLASIA, CONGENITAL, WITH HYPOGONADOTROPIC HYPOGONADISM. Identifiers: Orphanet 95702, MedGen C0342482, MONDO:0010264, OMIM 300200. Disease mechanism: loss of function.
46,XY sex reversal 2. Also called: NR0B1-Related 46,XY CGD; NR0B1-related 46,XY complete gonadal dysgenesis; 46,XY SEX REVERSAL, DAX1-RELATED; Dosage-sensitive sex reversal; 46XY sex reversal 2, dosage-sensitive. Identifiers: MedGen C1848296, MONDO:0010226, OMIM 300018.

Submission:

Labcorp Genetics (formerly Invitae), Labcorp
Classification: Uncertain significance for Congenital adrenal hypoplasia, X-linked; 46,XY sex reversal 2. Last evaluated: 2022-06-06. Review status: criteria provided, single submitter. Criteria: Invitae Variant Classification Sherloc (09022015). Collection method: clinical testing. Allele origin: germline.
Comment: This sequence change replaces glutamine, which is neutral and polar, with arginine, which is basic and polar, at codon 76 of the NR0B1 protein (p.Gln76Arg). This variant is not present in population databases (gnomAD no frequency). This variant has not been reported in the literature in individuals affected with NR0B1-related conditions. Advanced modeling of protein sequence and biophysical properties (such as structural, functional, and spatial information, amino acid conservation, physicochemical variation, residue mobility, and thermodynamic stability) performed at Invitae indicates that this missense variant is not expected to disrupt NR0B1 protein function. In summary, the available evidence is currently insufficient to determine the role of this variant in disease. Therefore, it has been classified as a Variant of Uncertain Significance.

NM_000475.5(NR0B1):c.227A>G (p.Gln76Arg)

Gene: NR0B1 (nuclear receptor subfamily 0 group B member 1; minus strand). Cytogenetic location: Xp21.2.
Variant type: single nucleotide variant.
Coding change: c.227A>G on transcript NM_000475.5 (MANE Select); coding-DNA position 227, A replaced by G.
Protein change: p.Gln76Arg; replaces glutamine 76 with arginine.
Molecular consequence: missense variant.
Genome position (GRCh38, 1-based): chrX:30,309,137, T>C on the plus strand (A>G on the coding strand, the complement: NR0B1 is on the minus strand). VCF-style: chrX-30309137-T-C. GRCh37 (hg19) VCF-style: chrX-30327254-T-C.
Other names: short protein forms Q76R.
Identifiers: ClinVar variation 2001442 (VCV002001442.4), dbSNP rs2519052030, ClinGen allele CA412549202.